The following is an entry in ClinVar:

ClinVar aggregate classification (germline): Uncertain significance. Review status: criteria provided, multiple submitters, no conflicts (2 of 4 stars). 2 submissions from 2 submitters: Uncertain significance (2). Last evaluated 2023-06-08.

Conditions:
Hypertrophic cardiomyopathy. Also called: HYPERTROPHIC MYOCARDIOPATHY. Identifiers: Orphanet 217569, MedGen C0007194, MeSH D002312, MONDO:0005045, HP:0001639.

Allele frequency attached by ClinVar (database versions not stated): gnomAD exomes below 0.00001.
gnomAD v4.1: 2 of 1,609,794 alleles (0.00012%); highest among the groups gnomAD compares: Non-Finnish European, 0.00017%; no homozygotes.

Submissions (2):

All of Us Research Program, National Institutes of Health
Classification: Uncertain significance for Hypertrophic cardiomyopathy. Last evaluated: 2023-06-08. Review status: criteria provided, single submitter. Criteria: ACMG Guidelines, 2015. Collection method: clinical testing. Allele origin: germline. Inheritance: Autosomal dominant inheritance. Observed: 1 variant allele, 1 heterozygote.
Comment: This missense variant replaces glutamic acid with lysine at codon 323 of the MYBPC3 protein. Computational prediction suggests that this variant may not impact protein structure and function (internally defined REVEL score threshold <= 0.5, PMID: 27666373). To our knowledge, functional studies have not been reported for this variant. This variant has not been reported in individuals affected with MYBPC3-related disorders in the literature. This variant has been identified in 1/240896 chromosomes in the general population by the Genome Aggregation Database (gnomAD). The available evidence is insufficient to determine the role of this variant in disease conclusively. Therefore, this variant is classified as a Variant of Uncertain Significance.

This study involves interpretation of variants in research participants for the purpose of population health screening. Participant phenotype was not available at the time of variant classification. Additional details can be found in publication PMID: 35346344, PMCID: PMC8962531

Labcorp Genetics (formerly Invitae), Labcorp
Classification: Uncertain significance for Hypertrophic cardiomyopathy. Last evaluated: 2023-03-23. Review status: criteria provided, single submitter. Criteria: Invitae Variant Classification Sherloc (09022015). Collection method: clinical testing. Allele origin: germline.
Comment: This sequence change replaces glutamic acid, which is acidic and polar, with lysine, which is basic and polar, at codon 323 of the MYBPC3 protein (p.Glu323Lys). This variant is present in population databases (no rsID available, gnomAD 0.0009%). This variant has not been reported in the literature in individuals affected with MYBPC3-related conditions. ClinVar contains an entry for this variant (Variation ID: 2159247). An algorithm developed to predict the effect of missense changes on protein structure and function (PolyPhen-2) suggests that this variant is likely to be tolerated. In summary, the available evidence is currently insufficient to determine the role of this variant in disease. Therefore, it has been classified as a Variant of Uncertain Significance.

NM_000256.3(MYBPC3):c.967G>A (p.Glu323Lys)

Gene: MYBPC3 (myosin binding protein C3; minus strand). Cytogenetic location: 11p11.2.
Variant type: single nucleotide variant.
Coding change: c.967G>A on transcript NM_000256.3 (MANE Select); coding-DNA position 967, G replaced by A.
Protein change: p.Glu323Lys; replaces glutamic acid 323 with lysine.
Molecular consequence: missense variant.
Genome position (GRCh38, 1-based): chr11:47,346,330, C>T on the plus strand (G>A on the coding strand, the complement: MYBPC3 is on the minus strand). VCF-style: chr11-47346330-C-T. GRCh37 (hg19) VCF-style: chr11-47367881-C-T.
Other names: short protein forms E323K.
Identifiers: ClinVar variation 2159247 (VCV002159247.5), dbSNP rs1298520392, ClinGen allele CA380331866.